The following is an entry in ClinVar:

ClinVar aggregate classification (germline): Uncertain significance (1 of 4 stars; one submission).

Conditions:
Inborn genetic diseases. Identifiers: MedGen C0950123, MeSH D030342.

gnomAD v4.1: 2 of 1,613,370 alleles (0.00012%); highest among the groups gnomAD compares: Middle Eastern, 0.017%; no homozygotes.

Submission:

Ambry Genetics
Classification: Uncertain significance for Inborn genetic diseases. Last evaluated: 2026-03-29. Review status: criteria provided, single submitter. Criteria: Ambry Variant Classification Scheme 2023. Collection method: clinical testing. Allele origin: germline.
Comment: The p.H1806Y variant (also known as c.5416C>T), located in coding exon 16 of the F5 gene, results from a C to T substitution at nucleotide position 5416. The histidine at codon 1806 is replaced by tyrosine, an amino acid with similar properties. This amino acid position is conserved. In addition, the in silico prediction for this alteration is inconclusive. Based on the available evidence, the clinical significance of this variant remains unclear.

NM_000130.5(F5):c.5416C>T (p.His1806Tyr)

Gene: F5 (coagulation factor V; minus strand). Cytogenetic location: 1q24.2.
Variant type: single nucleotide variant.
Coding change: c.5416C>T on transcript NM_000130.5 (MANE Select); coding-DNA position 5416, C replaced by T.
Protein change: p.His1806Tyr; replaces histidine 1806 with tyrosine.
Molecular consequence: missense variant.
Genome position (GRCh38, 1-based): chr1:169,529,611, G>A on the plus strand (C>T on the coding strand, the complement: F5 is on the minus strand). VCF-style: chr1-169529611-G-A. GRCh37 (hg19) VCF-style: chr1-169498849-G-A.
Other names: short protein forms H1806Y.
Identifiers: ClinVar variation 4870740 (VCV004870740.1).